The following is an entry in ClinVar:

ClinVar aggregate classification (germline): Benign/Likely benign. Review status: criteria provided, multiple submitters, no conflicts (2 of 4 stars). 7 submissions from 7 submitters: Benign (1); Likely benign (5). 1 of the submissions does not count toward it. Last evaluated 2026-07-01.

Conditions:
ARID1B-Related Disorder. Identifiers: MedGen CN381337.
Inborn genetic diseases. Identifiers: MedGen C0950123, MeSH D030342.

Allele frequency attached by ClinVar (database versions not stated): ExAC 0.00008; ESP Exome Variant Server 0.00008; gnomAD exomes 0.00009; TOPMed 0.00010; gnomAD 0.00014 and 0.00016.
gnomAD v4.1: 324 of 1,613,918 alleles (0.02%); highest among the groups gnomAD compares: Non-Finnish European, 0.026%; no homozygotes.

Submissions (7):

CeGaT Center for Human Genetics Tuebingen
Classification: Likely benign. Last evaluated: 2026-07-01. Review status: criteria provided, single submitter. Criteria: CeGaT Center For Human Genetics Tuebingen Variant Classification Criteria Version 2. Collection method: clinical testing. Allele origin: germline. Affected: yes. Observed: 4 variant alleles.
Comment: ARID1B: BP4, BS1

Labcorp Genetics (formerly Invitae), Labcorp
Classification: Benign. Last evaluated: 2025-11-28. Review status: criteria provided, single submitter. Criteria: Invitae Variant Classification Sherloc (09022015). Collection method: clinical testing. Allele origin: germline.

Ambry Genetics
Classification: Likely benign for Inborn genetic diseases. Last evaluated: 2025-02-25. Review status: criteria provided, single submitter. Criteria: Ambry Variant Classification Scheme 2023. Collection method: clinical testing. Allele origin: germline.

Blueprint Genetics
Classification: Likely benign. Last evaluated: 2024-11-12. Review status: criteria provided, single submitter. Criteria: ACMG Guidelines, 2015. Collection method: clinical testing. Allele origin: germline.

GeneDx
Classification: Likely benign. Last evaluated: 2020-10-14. Review status: criteria provided, single submitter. Criteria: GeneDx Variant Classification Process June 2021. Collection method: clinical testing. Allele origin: germline. Affected: yes.

Center for Pediatric Genomic Medicine, Children's Mercy Hospital and Clinics
Classification: Likely benign. Last evaluated: 2017-07-28. Review status: criteria provided, single submitter. Criteria: ACMG Guidelines, 2015. Collection method: clinical testing. Allele origin: germline.

PreventionGenetics, part of Exact Sciences
Classification: Likely benign for ARID1B-related condition. Last evaluated: 2021-08-19. Review status: no assertion criteria provided. Collection method: clinical testing. Allele origin: germline. Not counted in ClinVar's aggregate classification.
Comment: This variant is classified as likely benign based on ACMG/AMP sequence variant interpretation guidelines (Richards et al. 2015 PMID: 25741868, with internal and published modifications).

NM_001374828.1(ARID1B):c.4603T>G (p.Ser1535Ala)

Gene: ARID1B (AT-rich interaction domain 1B; plus strand). Cytogenetic location: 6q25.3.
Variant type: single nucleotide variant.
Coding change: c.4603T>G on transcript NM_001374828.1 (MANE Select); coding-DNA position 4603, T replaced by G.
Protein change: p.Ser1535Ala; replaces serine 1535 with alanine.
Molecular consequence: missense variant.
Genome position (GRCh38, 1-based): chr6:157,200,828, T>G. VCF-style: chr6-157200828-T-G. GRCh37 (hg19) VCF-style: chr6-157521962-T-G.
Other names: c.2104T>G, p.Ser702Ala (NM_001363725.2); c.4483T>G, p.Ser1495Ala (NM_001371656.1, NM_001374820.1); c.4444T>G, p.Ser1482Ala (NM_017519.3); c.4234T>G, p.Ser1412Ala (NM_020732.3); short protein forms S1412A, S702A, S1482A, S1495A, S1535A.
Identifiers: ClinVar variation 445567 (VCV000445567.42), dbSNP rs145516400, ClinGen allele CA4067661.
Genomic context (GRCh38, chr6:157,200,828, plus strand): 5'-TACAACATGCAGTACAGCAGCCAGCAGCAGGAGATGTACAACCAGTATGGAGGCTCCTAC[T>G]CGGGCCCGGACCGCAGGCCCATCCAGGGCCAGTACCCGTATCCCTACAGCAGGGAGAGGA-3'
Protein context (NP_001361757.1, residues 1525-1545): EMYNQYGGSY[Ser1535Ala]GPDRRPIQGQ